The following is an entry in ClinVar:

NM_001014437.3(CARS1):c.2492A>G (p.Gln831Arg)

Gene: CARS1 (cysteinyl-tRNA synthetase 1; minus strand). Cytogenetic location: 11p15.4.
Variant type: single nucleotide variant.
Coding change: c.2492A>G on transcript NM_001014437.3 (MANE Select); coding-DNA position 2492, A replaced by G.
Protein change: p.Gln831Arg; replaces glutamine 831 with arginine.
Molecular consequence: missense variant. On other transcripts: 3 prime UTR variant (5), non-coding transcript variant (4).
Genome position (GRCh38, 1-based): chr11:3,001,118, T>C on the plus strand (A>G on the coding strand, the complement: CARS1 is on the minus strand). VCF-style: chr11-3001118-T-C. GRCh37 (hg19) VCF-style: chr11-3022348-T-C.
Other names: c.*70A>G (NM_001194997.2, NM_001378136.1, NM_001378138.1 and 2 more transcripts); c.2213A>G, p.Gln738Arg (NM_001378137.1); c.1967A>G, p.Gln656Arg (NM_001378140.1); c.2243A>G, p.Gln748Arg (NM_001751.6); short protein forms Q738R, Q748R, Q656R, Q831R.
Identifiers: ClinVar variation 4983149 (VCV004983149.1).

ClinVar aggregate classification (germline): Uncertain significance (1 of 4 stars; one submission).

Conditions:
CARS1-related disorder. Also called: CARS1-related condition.

gnomAD v4.1: 10 of 1,614,070 alleles (0.00062%); highest among the groups gnomAD compares: African/African-American, 0.011%; no homozygotes.

Submission:

PreventionGenetics, part of Exact Sciences
Classification: Uncertain significance for CARS1-related condition. Last evaluated: 2026-06-21. Review status: criteria provided, single submitter. Criteria: ACMG Guidelines, 2015. Collection method: clinical testing. Allele origin: germline.
Comment: The CARS1 c.2492A>G variant is predicted to result in the amino acid substitution p.Gln831Arg. To our knowledge, this variant has not been reported in the literature. This variant is reported in 0.012% of alleles in individuals of African descent in gnomAD. At this time, the clinical significance of this variant is uncertain due to the absence of conclusive functional and genetic evidence.